The following is an entry in ClinVar:

NM_001009944.3(PKD1):c.10583G>A (p.Trp3528Ter)

Genes: PKD1 (polycystin 1, transient receptor potential channel interacting; minus strand), PKD1-AS1 (PKD1 antisense RNA 1; plus strand). Cytogenetic location: 16p13.3.
Variant type: single nucleotide variant.
Coding change: c.10583G>A on transcript NM_001009944.3 (MANE Select); coding-DNA position 10583, G replaced by A.
Protein change: p.Trp3528Ter; replaces tryptophan 3528 with a stop codon.
Molecular consequence: nonsense.
Genome position (GRCh38, 1-based): chr16:2,094,127, C>T on the plus strand (G>A on the coding strand, the complement: PKD1 is on the minus strand). VCF-style: chr16-2094127-C-T. GRCh37 (hg19) VCF-style: chr16-2144128-C-T.
Other names: c.10580G>A, p.Trp3527Ter (NM_000296.4); short protein forms W3528*, W3527*.
Identifiers: ClinVar variation 369676 (VCV000369676.3), dbSNP rs1057516041, ClinGen allele CA10654768.

ClinVar aggregate classification (germline): Pathogenic (1 of 4 stars; one submission).

Conditions:
Polycystic kidney disease, adult type (PKD1). Also called: Polycystic Kidney Disease 1, Autosomal Dominant; Polycystic kidney disease 1; Polycystic kidney disease 1, severe; Polycystic Kidney, Autosomal Dominant; POLYCYSTIC KIDNEY DISEASE 1 WITH OR WITHOUT POLYCYSTIC LIVER DISEASE; POLYCYSTIC KIDNEY DISEASE, ADULT, TYPE I. Identifiers: MedGen C3149841, MONDO:0008263, OMIM 173900.

Submission:

Victorian Clinical Genetics Services, Murdoch Childrens Research Institute
Classification: Pathogenic for Polycystic kidney disease, adult type. Last evaluated: 2015-08-03. Review status: criteria provided, single submitter. Criteria: ACMG Guidelines, 2015. Collection method: clinical testing. Allele origin: maternal. Inheritance: Autosomal dominant inheritance. Affected: yes. Observed: 2 variant alleles.
Comment: This nucleotide substitution results in a premature stop codon at position 3528, NP_001009944.2(PKD1): p.(Trp3528*). This is a novel variant, not present in disease or population databases. It segregates with disease in the family.

Literature cited by the submitters: PubMed 26938784.